The following is an entry in ClinVar:

ClinVar aggregate classification (germline): Uncertain significance. Review status: criteria provided, multiple submitters, no conflicts (2 of 4 stars). 2 submissions from 2 submitters: Uncertain significance (2). Last evaluated 2025-05-22.

Conditions:
Encephalopathy, acute, infection-induced (herpes-specific), susceptibility to, 1. Also called: Herpes simplex encephalitis, susceptibility to, 1. Identifiers: Orphanet 1930, MedGen C2750180, MONDO:0024563, OMIM 610551.

Allele frequency attached by ClinVar (database versions not stated): gnomAD exomes 0.00001; ExAC 0.00002.
gnomAD v4.1: 8 of 1,614,212 alleles (0.0005%); highest among the groups gnomAD compares: Non-Finnish European, 0.00068%; no homozygotes.

Submissions (2):

Labcorp Genetics (formerly Invitae), Labcorp
Classification: Uncertain significance for Encephalopathy, acute, infection-induced (herpes-specific), susceptibility to, 1. Last evaluated: 2025-05-22. Review status: criteria provided, single submitter. Criteria: Invitae Variant Classification Sherloc (09022015). Collection method: clinical testing. Allele origin: germline.
Comment: This sequence change replaces leucine, which is neutral and non-polar, with histidine, which is basic and polar, at codon 447 of the TLR3 protein (p.Leu447His). This variant is present in population databases (rs774023990, gnomAD 0.004%). This variant has not been reported in the literature in individuals affected with TLR3-related conditions. ClinVar contains an entry for this variant (Variation ID: 2193116). An algorithm developed to predict the effect of missense changes on protein structure and function (PolyPhen-2) suggests that this variant is likely to be disruptive. In summary, the available evidence is currently insufficient to determine the role of this variant in disease. Therefore, it has been classified as a Variant of Uncertain Significance.

CeGaT Center for Human Genetics Tuebingen
Classification: Uncertain significance. Last evaluated: 2024-12-01. Review status: criteria provided, single submitter. Criteria: CeGaT Center For Human Genetics Tuebingen Variant Classification Criteria Version 2. Collection method: clinical testing. Allele origin: germline. Affected: yes. Observed: 1 variant allele.
Comment: TLR3: PM2

NM_003265.3(TLR3):c.1340T>A (p.Leu447His)

Gene: TLR3 (toll like receptor 3; plus strand). Cytogenetic location: 4q35.1.
Variant type: single nucleotide variant.
Coding change: c.1340T>A on transcript NM_003265.3 (MANE Select); coding-DNA position 1340, T replaced by A.
Protein change: p.Leu447His; replaces leucine 447 with histidine.
Molecular consequence: missense variant.
Genome position (GRCh38, 1-based): chr4:186,083,026, T>A. VCF-style: chr4-186083026-T-A. GRCh37 (hg19) VCF-style: chr4-187004180-T-A.
Other names: short protein forms L447H.
Identifiers: ClinVar variation 2193116 (VCV002193116.17), dbSNP rs774023990, ClinGen allele CA3161396.